The following is an entry in ClinVar:

NM_201548.5(CERKL):c.1171C>G (p.Gln391Glu)

Gene: CERKL (CERK like autophagy regulator; minus strand). Cytogenetic location: 2q31.3.
Variant type: single nucleotide variant.
Coding change: c.1171C>G on transcript NM_201548.5 (MANE Select); coding-DNA position 1171, C replaced by G.
Protein change: p.Gln391Glu; replaces glutamine 391 with glutamic acid.
Molecular consequence: missense variant. On other transcripts: non-coding transcript variant (2).
Genome position (GRCh38, 1-based): chr2:181,547,715, G>C on the plus strand (C>G on the coding strand, the complement: CERKL is on the minus strand). VCF-style: chr2-181547715-G-C. GRCh37 (hg19) VCF-style: chr2-182412442-G-C.
Other names: c.1249C>G, p.Gln417Glu (NM_001030311.3); c.832C>G, p.Gln278Glu (NM_001030312.3); c.964C>G, p.Gln322Glu (NM_001030313.3); c.*453C>G (NM_001030314.1, NM_001030315.1); c.1117C>G, p.Gln373Glu (NM_001160277.2); short protein forms Q322E, Q417E, Q391E, Q373E, Q278E.
Identifiers: ClinVar variation 2191836 (VCV002191836.3), dbSNP rs1687790987, ClinGen allele CA349735665.

ClinVar aggregate classification (germline): Uncertain significance. Review status: criteria provided, single submitter (1 of 4 stars). 2 submissions from 2 submitters: Uncertain significance (1). 1 of the submissions does not count toward it. Last evaluated 2024-10-15.

Conditions:
Retinal dystrophy. Also called: Inherited retinal dystrophy. Identifiers: Orphanet 71862, MedGen C0854723, MeSH D058499, MONDO:0019118, HP:0000556.

Allele frequency attached by ClinVar (database versions not stated): TOPMed below 0.00001.
gnomAD v4.1: 5 of 1,613,894 alleles (0.00031%); no homozygotes.

Submissions (2):

Labcorp Genetics (formerly Invitae), Labcorp
Classification: Uncertain significance. Last evaluated: 2024-10-15. Review status: criteria provided, single submitter. Criteria: Invitae Variant Classification Sherloc (09022015). Collection method: clinical testing. Allele origin: germline.
Comment: This sequence change replaces glutamine, which is neutral and polar, with glutamic acid, which is acidic and polar, at codon 417 of the CERKL protein (p.Gln417Glu). This variant is not present in population databases (gnomAD no frequency). This variant has not been reported in the literature in individuals affected with CERKL-related conditions. ClinVar contains an entry for this variant (Variation ID: 2191836). Invitae Evidence Modeling of protein sequence and biophysical properties (such as structural, functional, and spatial information, amino acid conservation, physicochemical variation, residue mobility, and thermodynamic stability) indicates that this missense variant is not expected to disrupt CERKL protein function with a negative predictive value of 95%. In summary, the available evidence is currently insufficient to determine the role of this variant in disease. Therefore, it has been classified as a Variant of Uncertain Significance.

Institute of Human Genetics, Univ. Regensburg, Univ. Regensburg
Classification: Uncertain significance for Retinal dystrophy. Last evaluated: 2023-01-01. Review status: no assertion criteria provided. Criteria: ACMG Guidelines, 2015. Collection method: clinical testing. Allele origin: germline. Affected: yes. Not counted in ClinVar's aggregate classification.